The following is an entry in ClinVar:

NC_000011.9:g.(?_76861425)_(76868063_?)del

Gene: MYO7A (myosin VIIA; plus strand). Cytogenetic location: 11q13.5.
Variant type: Deletion.
Identifiers: ClinVar variation 3244716 (VCV003244716.1).

ClinVar aggregate classification (germline): Pathogenic (1 of 4 stars; one submission).

Submission:

Labcorp Genetics (formerly Invitae), Labcorp
Classification: Pathogenic. Last evaluated: 2022-05-13. Review status: criteria provided, single submitter. Criteria: Invitae Variant Classification Sherloc (09022015). Collection method: clinical testing. Allele origin: unknown.
Comment: This variant has not been reported in the literature in individuals affected with MYO7A-related conditions. This variant is a gross deletion of the genomic region encompassing exon(s) 5-7 of the MYO7A gene. This variant would be expected to be in-frame, preserving the integrity of the reading frame. This variant disrupts a region of the MYO7A protein in which other variant(s) (p.Pro132Leu) have been determined to be pathogenic (PMID: 17361009, 25558175, 33576163). This suggests that this is a clinically significant region of the protein, and that variants that disrupt it are likely to be disease-causing. For these reasons, this variant has been classified as Pathogenic.

Literature cited by the submitters: PubMed 17361009; PubMed 25558175; PubMed 33576163.